The following is an entry in ClinVar:

NM_003179.3(SYP):c.367G>A (p.Ala123Thr)

Gene: SYP (synaptophysin; minus strand). Cytogenetic location: Xp11.23.
Variant type: single nucleotide variant.
Coding change: c.367G>A on transcript NM_003179.3 (MANE Select); coding-DNA position 367, G replaced by A.
Protein change: p.Ala123Thr; replaces alanine 123 with threonine.
Molecular consequence: missense variant.
Genome position (GRCh38, 1-based): chrX:49,194,222, C>T on the plus strand (G>A on the coding strand, the complement: SYP is on the minus strand). VCF-style: chrX-49194222-C-T. GRCh37 (hg19) VCF-style: chrX-49050679-C-T.
Other names: short protein forms A123T.
Identifiers: ClinVar variation 1699249 (VCV001699249.4), dbSNP rs782495354, ClinGen allele CA10409794.
Genomic context (GRCh38, chrX:49,194,222, plus strand): 5'-TCACCAGCATGGGCCCTTTGTTATTCTCTCGGTACTTGTTCTGCAGGAAGATGTAGGTGG[C>T]CAGAGCCCCCATGGAGTAGAGGAAGGCAAACACGGCCACGGTGACAAAGAATTCGGCTGA-3'
Protein context (NP_003170.1, residues 113-133): FAFLYSMGAL[Ala123Thr]TYIFLQNKYR

ClinVar aggregate classification (germline): Uncertain significance (1 of 4 stars; one submission).

Conditions:
Intellectual developmental disorder, X-linked 96. Also called: Intellectual disability, X-linked 96. Identifiers: Orphanet 777, MedGen C3275408, MONDO:0010429, OMIM 300802.

Allele frequency attached by ClinVar (database versions not stated): gnomAD exomes below 0.00001 and 0.00001; TOPMed below 0.00001; ExAC 0.00001.

Submission:

Victorian Clinical Genetics Services, Murdoch Childrens Research Institute
Classification: Uncertain significance for Intellectual developmental disorder, X-linked 96. Last evaluated: 2022-02-02. Review status: criteria provided, single submitter. Criteria: ACMG Guidelines, 2015. Collection method: clinical testing. Allele origin: germline. Inheritance: X-linked inheritance.
Comment: Based on the classification scheme VCGS_Germline_v1.3.4, this variant is classified as VUS-3C. Following criteria are met: 0102 - Loss of function is a likely mechanism of disease in this gene and is associated with X-linked intellectual disability 96 (MIM#300802). However, functional evidence also suggests a dominant negative mechanism for variants predicted to result in nonsense-mediated decay (PMID: 23966691). (I) 0109 - This gene is associated with X-linked recessive disease. (I) 0200 - Variant is predicted to result in a missense amino acid change from alanine to threonine. (I) 0253 - This variant is hemizygous. (I) 0304 - Variant is present in gnomAD (v2) <0.01 for a recessive condition (1 heterozygote, 0 homozygotes, 0 hemizygotes). (SP) 0503 - Missense variant consistently predicted to be tolerated by multiple in silico tools or not conserved in placental mammals with a minor amino acid change. (SB) 0600 - Variant is located in the annotated MARVEL domain (NCBI, UniProt). (I) 0705 - No comparable missense variants have previous evidence for pathogenicity. (I) 0807 - This variant has no previous evidence of pathogenicity. (I) 0905 - No published segregation evidence has been identified for this variant. (I) 1007 - No published functional evidence has been identified for this variant. (I) Legend: (SP) - Supporting pathogenic, (I) - Information, (SB) - Supporting benign

Literature cited by the submitters: PubMed 23966691.